The following is an entry in ClinVar:

ClinVar aggregate classification (germline): Likely benign. Review status: criteria provided, multiple submitters, no conflicts (2 of 4 stars). 3 submissions from 3 submitters: Likely benign (2). 1 of the submissions does not count toward it. Last evaluated 2025-07-22.

Conditions:
FKRP-related disorder. Also called: FKRP-related condition.
Walker-Warburg congenital muscular dystrophy. Also called: Muscular dystrophy-dystroglycanopathy, type A; Walker-Warburg syndrome. Identifiers: Orphanet 899, MedGen C0265221, MONDO:0000171.
Cardiovascular phenotype. Identifiers: MedGen CN230736.

Allele frequency attached by ClinVar (database versions not stated): gnomAD 0.00001; TOPMed 0.00001; gnomAD exomes 0.00002 and 0.00005; ExAC 0.00004; 1000 Genomes Project 0.00020; 1000 Genomes Project 30x 0.00031.
gnomAD v4.1: 14 of 1,596,548 alleles (0.00088%); highest among the groups gnomAD compares: Admixed American, 0.022%; no homozygotes.

Submissions (3):

Labcorp Genetics (formerly Invitae), Labcorp
Classification: Likely benign for Walker-Warburg congenital muscular dystrophy. Last evaluated: 2025-07-22. Review status: criteria provided, single submitter. Criteria: Invitae Variant Classification Sherloc (09022015). Collection method: clinical testing. Allele origin: germline.

Ambry Genetics
Classification: Likely benign for Cardiovascular phenotype. Last evaluated: 2023-11-21. Review status: criteria provided, single submitter. Criteria: Ambry Variant Classification Scheme 2023. Collection method: clinical testing. Allele origin: germline.

PreventionGenetics, part of Exact Sciences
Classification: Likely benign for FKRP-related condition. Last evaluated: 2022-12-19. Review status: no assertion criteria provided. Collection method: clinical testing. Allele origin: germline. Not counted in ClinVar's aggregate classification.
Comment: This variant is classified as likely benign based on ACMG/AMP sequence variant interpretation guidelines (Richards et al. 2015 PMID: 25741868, with internal and published modifications).

NM_024301.5(FKRP):c.210C>T (p.Phe70=)

Gene: FKRP (fukutin related protein; plus strand). Cytogenetic location: 19q13.32.
Variant type: single nucleotide variant.
Coding change: c.210C>T on transcript NM_024301.5 (MANE Select); coding-DNA position 210, C replaced by T.
Protein change: p.Phe70=; no amino-acid change (phenylalanine 70 retained).
Molecular consequence: synonymous variant.
Genome position (GRCh38, 1-based): chr19:46,755,660, C>T. VCF-style: chr19-46755660-C-T. GRCh37 (hg19) VCF-style: chr19-47258917-C-T.
Other names: c.210C>T, p.Phe70= (NM_001039885.3).
Identifiers: ClinVar variation 528830 (VCV000528830.15), dbSNP rs569336346, ClinGen allele CA9532127.